The following is an entry in ClinVar:

ClinVar aggregate classification (germline): Benign/Likely benign. Review status: criteria provided, multiple submitters, no conflicts (2 of 4 stars). 2 submissions from 2 submitters: Benign (1); Likely benign (1). Last evaluated 2025-06-05.

Conditions:
Tuberous sclerosis 2 (TSC2). Identifiers: Orphanet 805, MedGen C1860707, MONDO:0013199, OMIM 613254.

Allele frequency attached by ClinVar (database versions not stated): gnomAD exomes below 0.00001; gnomAD 0.00001.
gnomAD v4.1: 2 of 1,611,412 alleles (0.00012%); highest among the groups gnomAD compares: South Asian, 0.0011%; no homozygotes.

Submissions (2):

Myriad Genetics, Inc.
Classification: Benign for Tuberous sclerosis 2. Last evaluated: 2025-06-05. Review status: criteria provided, single submitter. Criteria: Myriad Autosomal Dominant, Autosomal Recessive and X-Linked Classification Criteria (2023). Collection method: clinical testing. Allele origin: unknown.
Comment: This variant is considered benign. This variant is a silent/synonymous amino acid change and it is not expected to impact splicing.

Labcorp Genetics (formerly Invitae), Labcorp
Classification: Likely benign for Tuberous sclerosis 2. Last evaluated: 2021-05-24. Review status: criteria provided, single submitter. Criteria: Invitae Variant Classification Sherloc (09022015). Collection method: clinical testing. Allele origin: germline.

NM_000548.5(TSC2):c.4899C>T (p.His1633=)

Gene: TSC2 (TSC complex subunit 2; plus strand). Cytogenetic location: 16p13.3.
Variant type: single nucleotide variant.
Coding change: c.4899C>T on transcript NM_000548.5 (MANE Select); coding-DNA position 4899, C replaced by T.
Protein change: p.His1633=; no amino-acid change (histidine 1633 retained).
Molecular consequence: synonymous variant.
Genome position (GRCh38, 1-based): chr16:2,086,781, C>T. VCF-style: chr16-2086781-C-T. GRCh37 (hg19) VCF-style: chr16-2136782-C-T.
Other names: c.4698C>T, p.His1566= (NM_001077183.3); c.4830C>T, p.His1610= (NM_001114382.3); c.4590C>T, p.His1530= (NM_001318827.2); c.4554C>T, p.His1518= (NM_001318829.2); c.4167C>T, p.His1389= (NM_001318831.2); c.4731C>T, p.His1577= (NM_001318832.2); c.4701C>T, p.His1567= (NM_001363528.2); c.4767C>T, p.His1589= (NM_001370404.1); and 1 more.
Identifiers: ClinVar variation 1558701 (VCV001558701.9), dbSNP rs1223963841, ClinGen allele CA492959841.